The following is an entry in ClinVar:

ClinVar aggregate classification (germline): Uncertain significance (1 of 4 stars; one submission).

Conditions:
Familial Mediterranean fever (FMF). Also called: Periodic peritonitis; Benign paroxysmal peritonitis; POLYSEROSITIS, FAMILIAL PAROXYSMAL; POLYSEROSITIS, RECURRENT. Identifiers: Orphanet 342, MedGen C0031069, MONDO:0018088, OMIM 249100. Disease mechanism: gain of function.

Allele frequency attached by ClinVar (database versions not stated): gnomAD exomes below 0.00001; ExAC 0.00001.

Submission:

Labcorp Genetics (formerly Invitae), Labcorp
Classification: Uncertain significance for Familial Mediterranean fever. Last evaluated: 2021-07-09. Review status: criteria provided, single submitter. Criteria: Invitae Variant Classification Sherloc (09022015). Collection method: clinical testing. Allele origin: germline.
Comment: This sequence change creates a premature translational stop signal (p.Gly138Trpfs*104) in the MEFV gene. It is expected to result in an absent or disrupted protein product. However, the current clinical and genetic evidence is not sufficient to establish whether loss-of-function variants in MEFV cause disease. This variant is present in population databases (rs758874425, ExAC 0.002%). This variant has not been reported in the literature in individuals with MEFV-related conditions. Experimental studies and prediction algorithms are not available or were not evaluated, and the functional significance of this variant is currently unknown. In summary, the available evidence is currently insufficient to determine the role of this variant in disease. Therefore, it has been classified as a Variant of Uncertain Significance.

NM_000243.3(MEFV):c.411_412insT (p.Gly138fs)

Gene: MEFV (MEFV innate immunity regulator, pyrin; minus strand). Cytogenetic location: 16p13.3.
Variant type: Insertion.
Coding change: c.411_412insT on transcript NM_000243.3 (MANE Select); coding-DNA positions 411 to 412, T inserted.
Protein change: p.Gly138fs; shifts the reading frame from glycine 138.
Molecular consequence: frameshift variant. On other transcripts: intron variant (1).
Genome position: GRCh38 VCF-style: chr16-3254656-C-CA. GRCh37 (hg19) VCF-style: chr16-3304656-C-CA.
Other names: c.277+1654_277+1655insT (NM_001198536.2); short protein forms G138fs.
Identifiers: ClinVar variation 1400679 (VCV001400679.3), dbSNP rs758874425, ClinGen allele CA7860434.